The following is an entry in ClinVar:

ClinVar aggregate classification (germline): Likely benign (0 of 4 stars; one submission).

Conditions:
UNC13A-related disorder. Also called: UNC13A-related condition.

Allele frequency attached by ClinVar (database versions not stated): TOPMed below 0.00001; gnomAD exomes 0.00001; ExAC 0.00002.
gnomAD v4.1: 23 of 1,608,614 alleles (0.0014%); highest among the groups gnomAD compares: South Asian, 0.02%; 2 homozygotes.

Submission:

PreventionGenetics, part of Exact Sciences
Classification: Likely benign for UNC13A-related condition. Last evaluated: 2023-06-28. Review status: no assertion criteria provided. Collection method: clinical testing. Allele origin: germline.
Comment: This variant is classified as likely benign based on ACMG/AMP sequence variant interpretation guidelines (Richards et al. 2015 PMID: 25741868, with internal and published modifications).

NM_001080421.3(UNC13A):c.3215+7T>C

Gene: UNC13A (unc-13 homolog A; minus strand). Cytogenetic location: 19p13.11.
Variant type: single nucleotide variant.
Coding change: c.3215+7T>C on transcript NM_001080421.3 (MANE Select); 7 bases into the intron after coding-DNA position 3215, T replaced by C.
Molecular consequence: intron variant.
Genome position (GRCh38, 1-based): chr19:17,636,017, A>G on the plus strand (T>C on the coding strand, the complement: UNC13A is on the minus strand). VCF-style: chr19-17636017-A-G. GRCh37 (hg19) VCF-style: chr19-17746826-A-G.
Other names: c.3209+7T>C (NM_001387022.1, NM_001387023.1, NM_001387021.1).
Identifiers: ClinVar variation 3056000 (VCV003056000.2), dbSNP rs778216202, ClinGen allele CA9298070.
Genomic context (GRCh38, chr19:17,636,017, plus strand): 5'-AGACACAAAGTTGTATACATACACACGATGACACCCAGATAATTAACTACACAGATACAC[A>G]ACTCACTGGTTGAGGCAGGGAGTGTAGGAATTCTTGTCTTCCTCAATGATGGACACTATG-3'